The following is an entry in ClinVar:

NM_000083.3(CLCN1):c.878C>T (p.Thr293Ile)

Gene: CLCN1 (chloride voltage-gated channel 1; plus strand). Cytogenetic location: 7q34.
Variant type: single nucleotide variant.
Coding change: c.878C>T on transcript NM_000083.3 (MANE Select); coding-DNA position 878, C replaced by T.
Protein change: p.Thr293Ile; replaces threonine 293 with isoleucine.
Molecular consequence: missense variant. On other transcripts: non-coding transcript variant (1).
Genome position (GRCh38, 1-based): chr7:143,330,796, C>T. VCF-style: chr7-143330796-C-T. GRCh37 (hg19) VCF-style: chr7-143027889-C-T.
Other names: short protein forms T293I.
Identifiers: ClinVar variation 946117 (VCV000946117.1), dbSNP rs762943928, ClinGen allele CA369641538.
Genomic context (GRCh38, chr7:143,330,796, plus strand): 5'-CTGGCTGCCCCCAACCACACTTCTGTGCCCCTGCAGGAGTGCTATTTAGCATCGAGGTCA[C>T]CTCCACCTACTTTGCTGTTCGGAACTACTGGAGAGGATTCTTTGCAGCCACGTTCAGCGC-3'
Protein context (NP_000074.3, residues 283-303): LGGVLFSIEV[Thr293Ile]STYFAVRNYW

ClinVar aggregate classification (germline): Uncertain significance (1 of 4 stars; one submission).

Conditions:
Congenital myotonia, autosomal dominant form (THD). Also called: THOMSEN DISEASE; Myotonia congenita autosomal dominant. Identifiers: Orphanet 614, MedGen C2936781, MONDO:0008055, OMIM 160800.
Congenital myotonia, autosomal recessive form. Also called: Becker Generalized Myotonia; myotonia congenita, autosomal recessive; BECKER DISEASE. Identifiers: Orphanet 614, MedGen C0751360, MONDO:0009715, OMIM 255700.

Submission:

Labcorp Genetics (formerly Invitae), Labcorp
Classification: Uncertain significance for Congenital myotonia, autosomal recessive form; Congenital myotonia, autosomal dominant form. Last evaluated: 2019-06-04. Review status: criteria provided, single submitter. Criteria: Invitae Variant Classification Sherloc (09022015). Collection method: clinical testing. Allele origin: germline.
Comment: This sequence change replaces threonine with isoleucine at codon 293 of the CLCN1 protein (p.Thr293Ile). The threonine residue is highly conserved and there is a moderate physicochemical difference between threonine and isoleucine. This variant is not present in population databases (ExAC no frequency). This variant has not been reported in the literature in individuals with CLCN1-related conditions. Algorithms developed to predict the effect of missense changes on protein structure and function are either unavailable or do not agree on the potential impact of this missense change (SIFT: "Deleterious"; PolyPhen-2: "Probably Damaging"; Align-GVGD: "Class C0"). In summary, the available evidence is currently insufficient to determine the role of this variant in disease. Therefore, it has been classified as a Variant of Uncertain Significance.